The following is an entry in ClinVar:

ClinVar aggregate classification (germline): Likely pathogenic (1 of 4 stars; one submission).

Conditions:
Autosomal recessive early-onset Parkinson disease 23. Identifiers: Orphanet 2828, MedGen C4225186, MONDO:0014796, OMIM 616840.

Submission:

First Genomix Gene Laboratory, Genetic Diagnostics Department
Classification: Likely pathogenic for Autosomal recessive early-onset Parkinson disease 23. Last evaluated: 2025-07-23. Review status: criteria provided, single submitter. Criteria: ACMG Guidelines, 2015. Collection method: clinical testing. Allele origin: germline. Inheritance: Autosomal recessive inheritance. Affected: no. Observed: 1 variant allele.

NM_020821.3(VPS13C):c.9551T>A (p.Leu3184Ter)

Gene: VPS13C (vacuolar protein sorting 13 homolog C; minus strand). Cytogenetic location: 15q22.2.
Variant type: single nucleotide variant.
Coding change: c.9551T>A on transcript NM_020821.3 (MANE Select); coding-DNA position 9551, T replaced by A.
Protein change: p.Leu3184Ter; replaces leucine 3184 with a stop codon.
Molecular consequence: nonsense.
Genome position (GRCh38, 1-based): chr15:61,882,669, A>T on the plus strand (T>A on the coding strand, the complement: VPS13C is on the minus strand). VCF-style: chr15-61882669-A-T. GRCh37 (hg19) VCF-style: chr15-62174868-A-T.
Other names: c.9551T>A, p.Leu3184Ter (NM_001018088.3); c.9422T>A, p.Leu3141Ter (NM_017684.5, NM_018080.4); short protein forms L3141*, L3184*.
Identifiers: ClinVar variation 4849313 (VCV004849313.1).
Genomic context (GRCh38, chr15:61,882,669, plus strand): 5'-AACCTGGCCCTTAAACTTCTCTGGTGAGAAGACTGCTTAAATTCAATCTGAATTCCTGAT[A>T]AAAAGTCTCGTTTAATAGGGCTACGAATAGGGAGGCGCATTTCCATTGGATCTTTATCAA-3'